The following is an entry in ClinVar:

ClinVar aggregate classification (germline): Likely pathogenic (1 of 4 stars; one submission).

Allele frequency attached by ClinVar (database versions not stated): gnomAD exomes below 0.00001.
gnomAD v4.1: 1 of 1,612,968 alleles (0.000062%); highest among the groups gnomAD compares: Non-Finnish European, 0.000085%; no homozygotes.

Submission:

Labcorp Genetics (formerly Invitae), Labcorp
Classification: Likely pathogenic. Last evaluated: 2023-11-04. Review status: criteria provided, single submitter. Criteria: Invitae Variant Classification Sherloc (09022015). Collection method: clinical testing. Allele origin: germline.
Comment: This sequence change affects an acceptor splice site in intron 14 of the DGAT1 gene. It is expected to disrupt RNA splicing. Variants that disrupt the donor or acceptor splice site typically lead to a loss of protein function (PMID: 16199547), and loss-of-function variants in DGAT1 are known to be pathogenic (PMID: 29604290). This variant is not present in population databases (gnomAD no frequency). This variant has not been reported in the literature in individuals affected with DGAT1-related conditions. Algorithms developed to predict the effect of sequence changes on RNA splicing suggest that this variant may disrupt the consensus splice site. In summary, the currently available evidence indicates that the variant is pathogenic, but additional data are needed to prove that conclusively. Therefore, this variant has been classified as Likely Pathogenic.

Literature cited by the submitters: PubMed 16199547; PubMed 29604290.

NM_012079.6(DGAT1):c.1161-1G>A

Gene: DGAT1 (diacylglycerol O-acyltransferase 1; minus strand). Cytogenetic location: 8q24.3.
Variant type: single nucleotide variant.
Coding change: c.1161-1G>A on transcript NM_012079.6 (MANE Select); the canonical splice acceptor site of the intron before coding-DNA position 1161, G replaced by A.
Molecular consequence: splice acceptor variant.
Genome position (GRCh38, 1-based): chr8:144,317,110, C>T on the plus strand (G>A on the coding strand, the complement: DGAT1 is on the minus strand). VCF-style: chr8-144317110-C-T. GRCh37 (hg19) VCF-style: chr8-145540773-C-T.
Identifiers: ClinVar variation 2804686 (VCV002804686.3), dbSNP rs2488948345, ClinGen allele CA372608316.